The following is an entry in ClinVar:

NM_002016.2(FLG):c.3415G>T (p.Gly1139Ter)

Genes: CCDST (cervical cancer associated DHX9 suppressive transcript; plus strand), FLG (filaggrin; minus strand). Cytogenetic location: 1q21.3.
Variant type: single nucleotide variant.
Coding change: c.3415G>T on transcript NM_002016.2 (MANE Select); coding-DNA position 3415, G replaced by T.
Protein change: p.Gly1139Ter; replaces glycine 1139 with a stop codon.
Molecular consequence: nonsense.
Genome position (GRCh38, 1-based): chr1:152,311,471, C>A on the plus strand (G>T on the coding strand, the complement: FLG is on the minus strand). VCF-style: chr1-152311471-C-A. GRCh37 (hg19) VCF-style: chr1-152283947-C-A.
Other names: short protein forms G1139*.
Identifiers: ClinVar variation 4536222 (VCV004536222.1).

ClinVar aggregate classification (germline): Pathogenic (1 of 4 stars; one submission).

gnomAD v4.1: 26 of 1,613,920 alleles (0.0016%); highest among the groups gnomAD compares: Non-Finnish European, 0.0022%; no homozygotes.

Submission:

GeneDx
Classification: Pathogenic. Last evaluated: 2025-05-27. Review status: criteria provided, single submitter. Criteria: GeneDx Variant Classification Process June 2021. Collection method: clinical testing. Allele origin: germline. Affected: yes.
Comment: Reported previously as G1138X in an patient from a cohort of individuals with atopic dermatitis; segregation and detailed clinical information uanavailable (PMID: 20621340); Nonsense variant predicted to result in protein truncation, as the last 2923 amino acid(s) are lost, and other loss-of-function variants have been reported downstream in HGMD; Not observed at significant frequency in large population cohorts (gnomAD); This variant is associated with the following publications: (PMID: 20621340)